The following is an entry in ClinVar:

ClinVar aggregate classification (germline): Benign (1 of 4 stars; one submission).

Conditions:
Primary ciliary dyskinesia 15. Also called: CILIARY DYSKINESIA, PRIMARY, 15, WITH OR WITHOUT SITUS INVERSUS. Identifiers: Orphanet 244, MedGen C3151137, MONDO:0013435, OMIM 613808.

Allele frequency attached by ClinVar (database versions not stated): gnomAD exomes 0.00358; gnomAD 0.02339 and 0.02366; TOPMed 0.02600; 1000 Genomes Project 0.03794; 1000 Genomes Project 30x 0.03873.
gnomAD v4.1: 3,536 of 153,962 alleles (2.3%); highest among the groups gnomAD compares: African/African-American, 6.4%; 86 homozygotes.

Submission:

Illumina Laboratory Services, Illumina
Classification: Benign for Primary ciliary dyskinesia 15. Last evaluated: 2018-01-12. Review status: criteria provided, single submitter. Criteria: ICSL Variant Classification Criteria 13 December 2019. Collection method: clinical testing. Allele origin: germline.
Comment: This variant was observed in the ICSL laboratory as part of a predisposition screen in an ostensibly healthy population. It had not been previously curated by ICSL or reported in the Human Gene Mutation Database (HGMD: prior to June 1st, 2018), and was therefore a candidate for classification through an automated scoring system. Utilizing variant allele frequency, disease prevalence and penetrance estimates, and inheritance mode, an automated score was calculated to assess if this variant is too frequent to cause the disease. Based on the score and internal cut-off values, a variant classified as benign is not then subjected to further curation. The score for this variant resulted in a classification of benign for this disease.

NM_017950.4(CCDC40):c.*654A>C

Gene: CCDC40 (coiled-coil domain 40 molecular ruler complex subunit; plus strand). Cytogenetic location: 17q25.3.
Variant type: single nucleotide variant.
Coding change: c.*654A>C on transcript NM_017950.4 (MANE Select); 654 bases downstream of the stop codon, A replaced by C.
Molecular consequence: 3 prime UTR variant.
Genome position (GRCh38, 1-based): chr17:80,100,429, A>C. VCF-style: chr17-80100429-A-C. GRCh37 (hg19) VCF-style: chr17-78074228-A-C.
Identifiers: ClinVar variation 325765 (VCV000325765.6), dbSNP rs2289538, ClinGen allele CA10647031.